The following is an entry in ClinVar:

NM_015274.3(MAN2B2):c.958G>A (p.Val320Met)

Gene: MAN2B2 (mannosidase alpha class 2B member 2; plus strand). Cytogenetic location: 4p16.1.
Variant type: single nucleotide variant.
Coding change: c.958G>A on transcript NM_015274.3 (MANE Select); coding-DNA position 958, G replaced by A.
Protein change: p.Val320Met; replaces valine 320 with methionine.
Molecular consequence: missense variant.
Genome position (GRCh38, 1-based): chr4:6,594,633, G>A. VCF-style: chr4-6594633-G-A. GRCh37 (hg19) VCF-style: chr4-6596360-G-A.
Other names: p.Val320Met; c.805G>A, p.Val269Met (NM_001292038.2); short protein forms V269M, V320M.
Identifiers: ClinVar variation 2688011 (VCV002688011.4), dbSNP rs2301795, ClinGen allele CA2840759.

ClinVar aggregate classification (germline): Benign/Likely benign. Review status: criteria provided, multiple submitters, no conflicts (2 of 4 stars). 3 submissions from 3 submitters: Benign (2); Likely benign (1). Last evaluated 2026-01-21.

Allele frequency attached by ClinVar (database versions not stated): 1000 Genomes Project 30x 0.45237; 1000 Genomes Project 0.45547; TOPMed 0.48524; gnomAD 0.49092; ESP Exome Variant Server 0.49093; ExAC 0.49515; gnomAD exomes 0.50763.
gnomAD v4.1: 816,291 of 1,613,206 alleles (51%); highest among the groups gnomAD compares: Middle Eastern, 58%; 208,382 homozygotes.

Submissions (3):

Women's Health and Genetics/Laboratory Corporation of America, LabCorp
Classification: Likely benign. Last evaluated: 2026-01-21. Review status: criteria provided, single submitter. Criteria: LabCorp Variant Classification Summary - May 2015. Collection method: clinical testing. Allele origin: germline.

Unidad de Genómica Garrahan, Hospital de Pediatría Garrahan
Classification: Benign. Last evaluated: 2024-01-24. Review status: criteria provided, single submitter. Criteria: ACMG Guidelines, 2015. Collection method: clinical testing. Allele origin: germline. Affected: no. Observed: 68 variant alleles.
Comment: This variant is classified as Benign based on local population frequency. This variant was detected in 72% of patients studied by a panel of primary immunodeficiencies. Number of patients: 68. Only high quality variants are reported.

Mayo Clinic Laboratories, Mayo Clinic
Classification: Benign. Last evaluated: 2022-03-10. Review status: criteria provided, single submitter. Criteria: ACMG Guidelines, 2015. Collection method: clinical testing. Allele origin: germline. Observed: 20 variant alleles.